The following is an entry in ClinVar:

NM_000059.4(BRCA2):c.5633del (p.Asn1878fs)

Gene: BRCA2 (BRCA2 DNA repair associated; plus strand). Cytogenetic location: 13q13.1.
Variant type: Deletion.
Coding change: c.5633del on transcript NM_000059.4 (MANE Select); coding-DNA position 5633, one base deleted (A; older notation c.5633delA).
Protein change: p.Asn1878fs; shifts the reading frame from asparagine 1878.
Molecular consequence: frameshift variant.
Genome position (GRCh38, 1-based): chr13:32,339,988, A deleted; the last of 2 consecutive A bases (chr13:32,339,987-32,339,988); deleting either gives the same sequence. VCF-style (leftmost placement, unchanged base first): chr13-32339986-CA-C. GRCh37 (hg19) VCF-style: chr13-32914123-CA-C.
Other names: c.5633delA, p.Asn1878Thrfs (NM_001406719.1, NM_001406720.1); short protein forms N1878fs.
Identifiers: ClinVar variation 2120094 (VCV002120094.7), dbSNP rs2548531352, ClinGen allele CA2580087626.

ClinVar aggregate classification (germline): Pathogenic/Likely pathogenic. Review status: criteria provided, multiple submitters, no conflicts (2 of 4 stars). 3 submissions from 3 submitters: Pathogenic (2); Likely pathogenic (1). Last evaluated 2024-01-25.

Conditions:
Familial cancer of breast. Also called: BREAST CANCER, FAMILIAL; Hereditary breast cancer; hereditary breast carcinoma. Identifiers: Orphanet 227535, MedGen C0346153, MONDO:0016419, OMIM 114480. Disease mechanism: loss of function.
Hereditary cancer-predisposing syndrome. Also called: Hereditary Cancer Syndrome; Tumor predisposition; Neoplastic Syndromes, Hereditary; Hereditary neoplastic syndrome. Identifiers: Orphanet 140162, MedGen C0027672, MeSH D009386, MONDO:0015356.
Hereditary breast ovarian cancer syndrome. Also called: Hereditary breast and ovarian cancer syndrome (HBOC); Hereditary breast and/or ovarian cancer syndrome; Hereditary breast and ovarian cancer; BRCA1- and BRCA2-Associated Hereditary Breast and Ovarian Cancer; Breast and ovarian cancer; Hereditary breast and ovarian cancer syndrome. Identifiers: Orphanet 145, MedGen C0677776, MeSH D061325, MONDO:0003582. Disease mechanism: loss of function.

Submissions (3):

Labcorp Genetics (formerly Invitae), Labcorp
Classification: Pathogenic for Hereditary breast ovarian cancer syndrome. Last evaluated: 2024-01-25. Review status: criteria provided, single submitter. Criteria: Invitae Variant Classification Sherloc (09022015). Collection method: clinical testing. Allele origin: germline.
Comment: This sequence change creates a premature translational stop signal (p.Asn1878Thrfs*31) in the BRCA2 gene. It is expected to result in an absent or disrupted protein product. Loss-of-function variants in BRCA2 are known to be pathogenic (PMID: 20104584). This variant is not present in population databases (gnomAD no frequency). This variant has not been reported in the literature in individuals affected with BRCA2-related conditions. ClinVar contains an entry for this variant (Variation ID: 2120094). For these reasons, this variant has been classified as Pathogenic.

Ambry Genetics
Classification: Pathogenic for Hereditary cancer-predisposing syndrome. Last evaluated: 2023-06-22. Review status: criteria provided, single submitter. Criteria: Ambry Variant Classification Scheme 2023. Collection method: clinical testing. Allele origin: germline.
Comment: The c.5633delA pathogenic mutation, located in coding exon 10 of the BRCA2 gene, results from a deletion of one nucleotide at nucleotide position 5633, causing a translational frameshift with a predicted alternate stop codon (p.N1878Tfs*31). This variant is considered to be rare based on population cohorts in the Genome Aggregation Database (gnomAD). This alteration is expected to result in loss of function by premature protein truncation or nonsense-mediated mRNA decay. As such, this alteration is interpreted as a disease-causing mutation.

Baylor Genetics
Classification: Likely pathogenic for Familial cancer of breast. Last evaluated: 2023-04-07. Review status: criteria provided, single submitter. Criteria: ACMG Guidelines, 2015. Collection method: clinical testing. Allele origin: unknown.

Literature cited by the submitters: PubMed 20104584 (cited by Labcorp Genetics (formerly Invitae), Labcorp).